The following is an entry in ClinVar:

ClinVar aggregate classification (germline): Uncertain significance (1 of 4 stars; one submission).

Conditions:
Congenital generalized lipodystrophy type 2 (CGL2). Also called: BERARDINELLI SYNDROME; BRUNZELL SYNDROME, BSCL2-RELATED; SEIP SYNDROME; Berardinelli-Seip Congenital Lipodystrophy Type 2. Identifiers: Orphanet 528, Orphanet 696289, MedGen C1720863, MONDO:0010020, OMIM 269700.

Submission:

Diagnostics Services (NGS), CSIR - Centre For Cellular And Molecular Biology
Classification: Uncertain significance for Congenital generalized lipodystrophy type 2. Last evaluated: 2024-11-29. Review status: criteria provided, single submitter. Criteria: ACMG Guidelines, 2015. Collection method: clinical testing. Allele origin: germline. Affected: yes. Observed: 1 variant allele, 1 homozygote.
Comment: The c.630+3_630+6del variant is not present in publicly available population databases like 1000 Genomes, EVS, ExAC, Indian Exome Database or our internal database. The variant is present in gnomAD, at a low frequency. This variant has neither been published in literature in individuals affected with BSCL2-related conditions nor reported to the clinical databases like Human Genome Mutation Database (HGMD), ClinVar or OMIM in any affected individuals. This variant is located near the exon-intron splice-junction (splice distance- 3 bp) and algorithms developed to predict the effect of sequence changes on RNA splicing suggest that this variant may disrupt the consensus splice site. In-silico pathogenicity prediction programs like HSF3.1, MutationTaster2021, etc predicted this variant to be likely deleterious, however these predictions were not confirmed by published functional/translational studies.

NM_001122955.4(BSCL2):c.630+3_630+6del

Genes: HNRNPUL2-BSCL2 (HNRNPUL2-BSCL2 readthrough (NMD candidate); minus strand), BSCL2 (BSCL2 lipid droplet biogenesis associated, seipin; minus strand). Cytogenetic location: 11q12.3.
Variant type: Deletion.
Coding change: c.630+3_630+6del on transcript NM_001122955.4 (MANE Select); bases 3 to 6 of the intron after coding-DNA position 630, 4 bases deleted (AAGT; older notation c.630+3_630+6delAAGT).
Molecular consequence: splice donor variant.
Genome position (GRCh38, 1-based): chr11:62,694,562-62,694,565, ACTT deleted on the plus strand (AAGT on the coding strand, the reverse complement: BSCL2 is on the minus strand); deleting any 4 consecutive bases within chr11:62,694,562-62,694,567 gives the same sequence; the c. name uses the placement nearest the transcript's 3' end. VCF-style (leftmost placement, unchanged base first): chr11-62694561-CACTT-C. GRCh37 (hg19) VCF-style: chr11-62462033-CACTT-C.
Other names: c.438+3_438+6del (NM_001130702.2, NM_032667.6); c.630+3_630+6del (NM_001386028.1, NM_001386027.1).
Identifiers: ClinVar variation 3383368 (VCV003383368.1).
Genomic context (GRCh38, chr11:62,694,561, plus strand): 5'-AGCCCCCTACCCATTCTGATCCTGCCATCTTCCTCCACACCTTCTCAGACAGGCCACCAA[CACTT>C]ACCGAACGCGAAGAAGTGGAGATGATTCGGCCACCTCTGGTGTAGCAGGAAATGGTGACC-3'